The following is an entry in ClinVar:

ClinVar aggregate classification (germline): Likely pathogenic (1 of 4 stars; one submission).

gnomAD v4.1: 17 of 1,613,728 alleles (0.0011%); highest among the groups gnomAD compares: Non-Finnish European, 0.0014%; no homozygotes.

Submission:

Labcorp Genetics (formerly Invitae), Labcorp
Classification: Likely pathogenic. Last evaluated: 2024-06-18. Review status: criteria provided, single submitter. Criteria: Invitae Variant Classification Sherloc (09022015). Collection method: clinical testing. Allele origin: germline.
Comment: This sequence change affects a donor splice site in intron 2 of the GP6 gene. It is expected to disrupt RNA splicing. Variants that disrupt the donor or acceptor splice site typically lead to a loss of protein function (PMID: 16199547), and loss-of-function variants in GP6 are known to be pathogenic (PMID: 16139873, 23815599). This variant is not present in population databases (gnomAD no frequency). This variant has not been reported in the literature in individuals affected with GP6-related conditions. Algorithms developed to predict the effect of sequence changes on RNA splicing suggest that this variant may disrupt the consensus splice site. In summary, the currently available evidence indicates that the variant is pathogenic, but additional data are needed to prove that conclusively. Therefore, this variant has been classified as Likely Pathogenic.

Literature cited by the submitters: PubMed 16199547; PubMed 16139873; PubMed 23815599.

NM_016363.5(GP6):c.67+2T>G

Gene: GP6 (glycoprotein VI platelet; minus strand). Cytogenetic location: 19q13.42.
Variant type: single nucleotide variant.
Coding change: c.67+2T>G on transcript NM_016363.5 (MANE Select); the canonical splice donor site of the intron after coding-DNA position 67, T replaced by G.
Molecular consequence: splice donor variant.
Genome position (GRCh38, 1-based): chr19:55,032,504, A>C on the plus strand (T>G on the coding strand, the complement: GP6 is on the minus strand). VCF-style: chr19-55032504-A-C. GRCh37 (hg19) VCF-style: chr19-55543872-A-C.
Other names: c.67+2T>G (NM_001256017.2, NM_001083899.2).
Identifiers: ClinVar variation 3657432 (VCV003657432.2).